The following is an entry in ClinVar:

ClinVar aggregate classification (germline): Uncertain significance. Review status: criteria provided, multiple submitters, no conflicts (2 of 4 stars). 2 submissions from 2 submitters: Uncertain significance (2). Last evaluated 2022-06-01.

Conditions:
Kufor-Rakeb syndrome (KRS). Also called: PARKINSON DISEASE 9, AUTOSOMAL RECESSIVE, JUVENILE-ONSET. Identifiers: Orphanet 306674, Orphanet 314632, MedGen C1847640, MONDO:0011706, OMIM 606693.
Autosomal recessive spastic paraplegia type 78. Identifiers: Orphanet 513436, MedGen C5567893, MONDO:0014975, OMIM 617225.

Allele frequency attached by ClinVar (database versions not stated): gnomAD exomes 0.00001 and 0.00004; TOPMed 0.00001; ExAC 0.00005.
gnomAD v4.1: 9 of 1,613,948 alleles (0.00056%); highest among the groups gnomAD compares: Admixed American, 0.012%; no homozygotes.

Submissions (2):

Labcorp Genetics (formerly Invitae), Labcorp
Classification: Uncertain significance for Kufor-Rakeb syndrome; Autosomal recessive spastic paraplegia type 78. Last evaluated: 2022-06-01. Review status: criteria provided, single submitter. Criteria: Invitae Variant Classification Sherloc (09022015). Collection method: clinical testing. Allele origin: germline.
Comment: In summary, the available evidence is currently insufficient to determine the role of this variant in disease. Therefore, it has been classified as a Variant of Uncertain Significance. Variants that disrupt the consensus splice site are a relatively common cause of aberrant splicing (PMID: 17576681, 9536098). Algorithms developed to predict the effect of sequence changes on RNA splicing suggest that this variant may disrupt the consensus splice site. ClinVar contains an entry for this variant (Variation ID: 625889). This variant has not been reported in the literature in individuals affected with ATP13A2-related conditions. This variant is present in population databases (rs747456787, gnomAD 0.02%). This sequence change falls in intron 15 of the ATP13A2 gene. It does not directly change the encoded amino acid sequence of the ATP13A2 protein. It affects a nucleotide within the consensus splice site.

Center for Genomics, Ann and Robert H. Lurie Children's Hospital of Chicago
Classification: Uncertain significance for Autosomal recessive spastic paraplegia type 78; Kufor-Rakeb syndrome. Review status: criteria provided, single submitter. Criteria: ACMG Guidelines, 2015. Collection method: clinical testing. Allele origin: germline.
Comment: ATP13A2 NM_022089 exon 15 (c.1527+3G>A): This variant has not been reported in the literature but is present in 8/33574 Latino alleles in the Genome Aggregation Database. Evolutionary conservation and computational predictive tools for this variant are limited or unavailable. This variant is an intronic variant with no predicted change in the amino acid sequence but may have an unknown effect on splicing. Further studies are needed to understand its impact. In summary, data on this variant is insufficient for disease classification. Therefore, the clinical significance of this variant is uncertain.

Literature cited by the submitters: PubMed 17576681 (cited by Labcorp Genetics (formerly Invitae), Labcorp); PubMed 9536098 (cited by Labcorp Genetics (formerly Invitae), Labcorp).

NM_022089.4(ATP13A2):c.1542+3G>A

Gene: ATP13A2 (ATPase cation transporting 13A2; minus strand). Cytogenetic location: 1p36.13.
Variant type: single nucleotide variant.
Coding change: c.1542+3G>A on transcript NM_022089.4 (MANE Select); 3 bases into the intron after coding-DNA position 1542, G replaced by A.
Molecular consequence: intron variant.
Genome position (GRCh38, 1-based): chr1:16,995,973, C>T on the plus strand (G>A on the coding strand, the complement: ATP13A2 is on the minus strand). VCF-style: chr1-16995973-C-T. GRCh37 (hg19) VCF-style: chr1-17322468-C-T.
Other names: c.1527+3G>A (NM_001141974.3, NM_001141973.3).
Identifiers: ClinVar variation 625889 (VCV000625889.7), dbSNP rs747456787, ClinGen allele CA637188.